The following is an entry in ClinVar:

NM_021076.4(NEFH):c.1079A>G (p.Tyr360Cys)

Gene: NEFH (neurofilament heavy chain; plus strand). Cytogenetic location: 22q12.2.
Variant type: single nucleotide variant.
Coding change: c.1079A>G on transcript NM_021076.4 (MANE Select); coding-DNA position 1079, A replaced by G.
Protein change: p.Tyr360Cys; replaces tyrosine 360 with cysteine.
Molecular consequence: missense variant.
Genome position (GRCh38, 1-based): chr22:29,483,570, A>G. VCF-style: chr22-29483570-A-G. GRCh37 (hg19) VCF-style: chr22-29879559-A-G.
Other names: short protein forms Y360C.
Identifiers: ClinVar variation 1360348 (VCV001360348.9), dbSNP rs768679590, ClinGen allele CA10174102.

ClinVar aggregate classification (germline): Conflicting classifications of pathogenicity. Review status: criteria provided, conflicting classifications (1 of 4 stars). 3 submissions from 3 submitters: Uncertain significance (1); Likely benign (2). Last evaluated 2026-05-08.

Conditions:
Inborn genetic diseases. Identifiers: MedGen C0950123, MeSH D030342.

Allele frequency attached by ClinVar (database versions not stated): gnomAD exomes 0.00004; TOPMed 0.00006; ExAC 0.00003; gnomAD 0.00014.
gnomAD v4.1: 116 of 1,613,628 alleles (0.0072%); highest among the groups gnomAD compares: Admixed American, 0.038%; 1 homozygote.

Submissions (3):

Women's Health and Genetics/Laboratory Corporation of America, LabCorp
Classification: Likely benign. Last evaluated: 2026-05-08. Review status: criteria provided, single submitter. Criteria: LabCorp Variant Classification Summary - May 2015. Collection method: clinical testing. Allele origin: germline.
Comment: Variant summary: NEFH c.1079A>G (p.Tyr360Cys) results in a non-conservative amino acid change in the encoded protein sequence. Algorithms developed to predict the effect of missense changes on protein structure and function all suggest that this variant is likely to be disruptive. The variant allele was found at a frequency of 4.4e-05 in 249972 control chromosomes. The observed variant frequency exceeds the estimated maximal expected allele frequency for disease-causing variants in NEFH. These data do not allow any conclusion about variant significance. To our knowledge, no experimental evidence demonstrating an impact on protein function has been reported. ClinVar contains an entry for this variant (Variation ID: 1360348). Based on the evidence outlined above, the variant was classified as likely benign.

Labcorp Genetics (formerly Invitae), Labcorp
Classification: Uncertain significance. Last evaluated: 2025-05-24. Review status: criteria provided, single submitter. Criteria: Invitae Variant Classification Sherloc (09022015). Collection method: clinical testing. Allele origin: germline.
Comment: This sequence change replaces tyrosine, which is neutral and polar, with cysteine, which is neutral and slightly polar, at codon 360 of the NEFH protein (p.Tyr360Cys). This variant is present in population databases (rs768679590, gnomAD 0.01%). This missense change has been observed in individual(s) with clinical features of Charcot-Marie-Tooth disease (internal data). ClinVar contains an entry for this variant (Variation ID: 1360348). Invitae Evidence Modeling of protein sequence and biophysical properties (such as structural, functional, and spatial information, amino acid conservation, physicochemical variation, residue mobility, and thermodynamic stability) indicates that this missense variant is not expected to disrupt NEFH protein function with a negative predictive value of 95%. In summary, the available evidence is currently insufficient to determine the role of this variant in disease. Therefore, it has been classified as a Variant of Uncertain Significance.

Ambry Genetics
Classification: Likely benign for Inborn genetic diseases. Last evaluated: 2020-02-27. Review status: criteria provided, single submitter. Criteria: Ambry Variant Classification Scheme 2023. Collection method: clinical testing. Allele origin: germline.